The following is an entry in ClinVar:

NM_000051.4(ATM):c.1163A>G (p.Lys388Arg)

Gene: ATM (ATM serine/threonine kinase; plus strand). Cytogenetic location: 11q22.3.
Variant type: single nucleotide variant.
Coding change: c.1163A>G on transcript NM_000051.4 (MANE Select); coding-DNA position 1163, A replaced by G.
Protein change: p.Lys388Arg; replaces lysine 388 with arginine.
Molecular consequence: missense variant.
Genome position (GRCh38, 1-based): chr11:108,249,030, A>G. VCF-style: chr11-108249030-A-G. GRCh37 (hg19) VCF-style: chr11-108119757-A-G.
Other names: c.1163A>G, p.Lys388Arg (NM_001351834.2); short protein forms K388R.
Identifiers: ClinVar variation 407587 (VCV000407587.16), dbSNP rs1060501618, ClinGen allele CA16613312.

ClinVar aggregate classification (germline): Conflicting classifications of pathogenicity. Review status: criteria provided, conflicting classifications (1 of 4 stars). 3 submissions from 3 submitters: Uncertain significance (2); Likely benign (1). Last evaluated 2024-08-14.

Conditions:
Ataxia-telangiectasia syndrome (AT). Also called: Ataxia telangiectasia (A-T); LOUIS-BAR SYNDROME; Cerebello-oculocutaneous telangiectasia; Immunodeficiency with ataxia telangiectasia; Ataxia-telangiectasia, complementation group D; AT, COMPLEMENTATION GROUP C. Identifiers: Orphanet 100, MedGen C0004135, MONDO:0008840, OMIM 208900.
Hereditary cancer-predisposing syndrome. Also called: Hereditary neoplastic syndrome; Neoplastic Syndromes, Hereditary; Tumor predisposition; Hereditary Cancer Syndrome. Identifiers: Orphanet 140162, MedGen C0027672, MeSH D009386, MONDO:0015356.

Allele frequency attached by ClinVar (database versions not stated): gnomAD exomes below 0.00001.
gnomAD v4.1: 1 of 1,614,126 alleles (0.000062%); highest among the groups gnomAD compares: Non-Finnish European, 0.000085%; no homozygotes.

Submissions (3):

Ambry Genetics
Classification: Likely benign for Hereditary cancer-predisposing syndrome. Last evaluated: 2024-08-14. Review status: criteria provided, single submitter. Criteria: Ambry Variant Classification Scheme 2023. Collection method: clinical testing. Allele origin: germline.

Labcorp Genetics (formerly Invitae), Labcorp
Classification: Uncertain significance for Ataxia-telangiectasia syndrome. Last evaluated: 2023-12-10. Review status: criteria provided, single submitter. Criteria: Invitae Variant Classification Sherloc (09022015). Collection method: clinical testing. Allele origin: germline.
Comment: This sequence change replaces lysine, which is basic and polar, with arginine, which is basic and polar, at codon 388 of the ATM protein (p.Lys388Arg). This variant is not present in population databases (gnomAD no frequency). This missense change has been observed in individual(s) with breast cancer (PMID: 31465090). ClinVar contains an entry for this variant (Variation ID: 407587). Algorithms developed to predict the effect of missense changes on protein structure and function output the following: SIFT: "Not Available"; PolyPhen-2: "Benign"; Align-GVGD: "Not Available". The arginine amino acid residue is found in multiple mammalian species, which suggests that this missense change does not adversely affect protein function. In summary, the available evidence is currently insufficient to determine the role of this variant in disease. Therefore, it has been classified as a Variant of Uncertain Significance.

Color Diagnostics, LLC DBA Color Health
Classification: Uncertain significance for Hereditary cancer-predisposing syndrome. Last evaluated: 2019-06-05. Review status: criteria provided, single submitter. Criteria: ACMG Guidelines, 2015. Collection method: clinical testing. Allele origin: germline.

Literature cited by the submitters: PubMed 31465090 (cited by Labcorp Genetics (formerly Invitae), Labcorp).